The following is an entry in ClinVar:

ClinVar aggregate classification (germline): Uncertain significance. Review status: criteria provided, multiple submitters, no conflicts (2 of 4 stars). 4 submissions from 4 submitters: Uncertain significance (4). Last evaluated 2022-08-19.

Conditions:
Microcephaly 9, primary, autosomal recessive. Identifiers: Orphanet 2512, MedGen C3553886, MONDO:0013923, OMIM 614852.
Seckel syndrome 5 (SCKL5). Identifiers: Orphanet 808, MedGen C3151187, MONDO:0013443, OMIM 613823.

Allele frequency attached by ClinVar (database versions not stated): gnomAD 0.00004 and 0.00005; TOPMed 0.00011; ExAC 0.00012; gnomAD exomes 0.00015.
gnomAD v4.1: 74 of 1,613,946 alleles (0.0046%); highest among the groups gnomAD compares: Admixed American, 0.057%; no homozygotes.

Submissions (4):

Labcorp Genetics (formerly Invitae), Labcorp
Classification: Uncertain significance. Last evaluated: 2022-08-19. Review status: criteria provided, single submitter. Criteria: Invitae Variant Classification Sherloc (09022015). Collection method: clinical testing. Allele origin: germline.
Comment: This sequence change replaces arginine, which is basic and polar, with cysteine, which is neutral and slightly polar, at codon 1256 of the CEP152 protein (p.Arg1256Cys). This variant is present in population databases (rs751031882, gnomAD 0.08%). This variant has not been reported in the literature in individuals affected with CEP152-related conditions. ClinVar contains an entry for this variant (Variation ID: 434726). Algorithms developed to predict the effect of missense changes on protein structure and function (SIFT, PolyPhen-2, Align-GVGD) all suggest that this variant is likely to be disruptive. In summary, the available evidence is currently insufficient to determine the role of this variant in disease. Therefore, it has been classified as a Variant of Uncertain Significance.

Fulgent Genetics
Classification: Uncertain significance for Seckel syndrome 5; Microcephaly 9, primary, autosomal recessive. Last evaluated: 2022-05-11. Review status: criteria provided, single submitter. Criteria: ACMG Guidelines, 2015. Collection method: clinical testing. Allele origin: unknown.

Baylor Genetics
Classification: Uncertain significance for Microcephaly 9, primary, autosomal recessive. Last evaluated: 2019-04-11. Review status: criteria provided, single submitter. Criteria: ACMG Guidelines, 2015. Collection method: clinical testing. Allele origin: unknown. Affected: yes.
Comment: This variant was determined to be of uncertain significance according to ACMG Guidelines, 2015 [PMID:25741868].

Genetic Services Laboratory, University of Chicago
Classification: Uncertain significance. Last evaluated: 2016-06-10. Review status: criteria provided, single submitter. Criteria: ACMG Guidelines, 2015. Collection method: clinical testing. Allele origin: germline. Affected: no.

NM_001194998.2(CEP152):c.3934C>T (p.Arg1312Cys)

Gene: CEP152 (centrosomal protein 152; minus strand). Cytogenetic location: 15q21.1.
Variant type: single nucleotide variant.
Coding change: c.3934C>T on transcript NM_001194998.2 (MANE Select); coding-DNA position 3934, C replaced by T.
Protein change: p.Arg1312Cys; replaces arginine 1312 with cysteine.
Molecular consequence: missense variant.
Genome position (GRCh38, 1-based): chr15:48,742,002, G>A on the plus strand (C>T on the coding strand, the complement: CEP152 is on the minus strand). VCF-style: chr15-48742002-G-A. GRCh37 (hg19) VCF-style: chr15-49034199-G-A.
Other names: c.3766C>T, p.Arg1256Cys (NM_014985.4); short protein forms R1256C, R1312C.
Identifiers: ClinVar variation 434726 (VCV000434726.12), dbSNP rs751031882, ClinGen allele CA7548226.